The following is an entry in ClinVar:

ClinVar aggregate classification (germline): Conflicting classifications of pathogenicity. Review status: criteria provided, conflicting classifications (1 of 4 stars). 3 submissions from 3 submitters: Uncertain significance (2); Likely benign (1). Last evaluated 2026-06-15.

Conditions:
Inborn genetic diseases. Identifiers: MedGen C0950123, MeSH D030342.
MAGEL2-related disorder. Also called: MAGEL2-related condition.

Allele frequency attached by ClinVar (database versions not stated): ExAC 0.00001; gnomAD 0.00001; TOPMed 0.00002.

Submissions (3):

PreventionGenetics, part of Exact Sciences
Classification: Uncertain significance for MAGEL2-related condition. Last evaluated: 2026-06-15. Review status: criteria provided, single submitter. Criteria: ACMG Guidelines, 2015. Collection method: clinical testing. Allele origin: germline.
Comment: The MAGEL2 c.2818C>T variant is predicted to result in the amino acid substitution p.Pro940Ser. To our knowledge, this variant has not been reported in the literature. This variant is reported in 0.013% of alleles in individuals of African descent in gnomAD. At this time, the clinical significance of this variant is uncertain due to the absence of conclusive functional and genetic evidence.

Ambry Genetics
Classification: Likely benign for Inborn genetic diseases. Last evaluated: 2022-12-27. Review status: criteria provided, single submitter. Criteria: Ambry Variant Classification Scheme 2023. Collection method: clinical testing. Allele origin: germline.

Labcorp Genetics (formerly Invitae), Labcorp
Classification: Uncertain significance. Last evaluated: 2022-08-07. Review status: criteria provided, single submitter. Criteria: Invitae Variant Classification Sherloc (09022015). Collection method: clinical testing. Allele origin: germline.
Comment: Algorithms developed to predict the effect of missense changes on protein structure and function output the following: SIFT: "Not Available"; PolyPhen-2: "Not Available"; Align-GVGD: "Not Available". The serine amino acid residue is found in multiple mammalian species, which suggests that this missense change does not adversely affect protein function. In summary, the available evidence is currently insufficient to determine the role of this variant in disease. Therefore, it has been classified as a Variant of Uncertain Significance. This variant has not been reported in the literature in individuals affected with MAGEL2-related conditions. This variant is present in population databases (rs763578669, gnomAD 0.01%). This sequence change replaces proline, which is neutral and non-polar, with serine, which is neutral and polar, at codon 940 of the MAGEL2 protein (p.Pro940Ser).

NM_019066.5(MAGEL2):c.2818C>T (p.Pro940Ser)

Gene: MAGEL2 (MAGE family member L2; minus strand). Cytogenetic location: 15q11.2.
Variant type: single nucleotide variant.
Coding change: c.2818C>T on transcript NM_019066.5 (MANE Select); coding-DNA position 2818, C replaced by T.
Protein change: p.Pro940Ser; replaces proline 940 with serine.
Molecular consequence: missense variant.
Genome position (GRCh38, 1-based): chr15:23,644,925, G>A on the plus strand (C>T on the coding strand, the complement: MAGEL2 is on the minus strand). VCF-style: chr15-23644925-G-A. GRCh37 (hg19) VCF-style: chr15-23890072-G-A.
Other names: c.2818C>T (NM_019066.4); short protein forms P940S.
Identifiers: ClinVar variation 2184202 (VCV002184202.7), dbSNP rs763578669, ClinGen allele CA7429815.
Genomic context (GRCh38, chr15:23,644,925, plus strand): 5'-CTTCCCAGCCACTCAGGATCCTGGAGGTGCTAGGGCCCTCCCAACCACTCAGGCCACGGG[G>A]GGTGTTTGGGTGCTCCCAGTCACCCGAGACCTGGATAGGGCTTTGGACCTCCCAGTCACT-3'
Protein context (NP_061939.3, residues 930-950): VSGDWEHPNT[Pro940Ser]RGLSGWEGPS